The following is an entry in ClinVar:

NM_004991.4(MECOM):c.638A>G (p.Asp213Gly)

Gene: MECOM (MDS1 and EVI1 complex locus; minus strand). Cytogenetic location: 3q26.2.
Variant type: single nucleotide variant.
Coding change: c.638A>G on transcript NM_004991.4 (MANE Select); coding-DNA position 638, A replaced by G.
Protein change: p.Asp213Gly; replaces aspartic acid 213 with glycine.
Molecular consequence: missense variant.
Genome position (GRCh38, 1-based): chr3:169,128,036, T>C on the plus strand (A>G on the coding strand, the complement: MECOM is on the minus strand). VCF-style: chr3-169128036-T-C. GRCh37 (hg19) VCF-style: chr3-168845824-T-C.
Other names: c.74A>G, p.Asp25Gly (NM_001164000.2, NM_001205194.2, NM_001366467.2 and 9 more transcripts); c.638A>G, p.Asp213Gly (NM_001366466.2, NM_001366473.2); c.266A>G, p.Asp89Gly (NM_001105077.4); short protein forms D89G, D25G, D213G.
Identifiers: ClinVar variation 4624661 (VCV004624661.1).

ClinVar aggregate classification (germline): Uncertain significance (1 of 4 stars; one submission).

Conditions:
Inborn genetic diseases. Identifiers: MedGen C0950123, MeSH D030342.

Submission:

Ambry Genetics
Classification: Uncertain significance for Inborn genetic diseases. Last evaluated: 2025-10-22. Review status: criteria provided, single submitter. Criteria: Ambry Variant Classification Scheme 2023. Collection method: clinical testing. Allele origin: germline.
Comment: The p.D213G variant (also known as c.638A>G), located in coding exon 5 of the MECOM gene, results from an A to G substitution at nucleotide position 638. The aspartic acid at codon 213 is replaced by glycine, an amino acid with similar properties. This amino acid position is conserved. In addition, this alteration is predicted to be deleterious by in silico analysis. Based on the available evidence, the clinical significance of this variant remains unclear.